The following is an entry in ClinVar:

NM_001369.3(DNAH5):c.7728del (p.Gln2577fs)

Gene: DNAH5 (dynein axonemal heavy chain 5; minus strand). Cytogenetic location: 5p15.2.
Variant type: Deletion.
Coding change: c.7728del on transcript NM_001369.3 (MANE Select); coding-DNA position 7728, one base deleted (T; older notation c.7728delT).
Protein change: p.Gln2577fs; shifts the reading frame from glutamine 2577.
Molecular consequence: frameshift variant.
Genome position (GRCh38, 1-based): chr5:13,809,068, A deleted on the plus strand (T on the coding strand, the reverse complement: DNAH5 is on the minus strand); the first of 2 consecutive A bases (chr5:13,809,068-13,809,069); deleting either gives the same sequence. VCF-style (leftmost placement, unchanged base first): chr5-13809067-GA-G. GRCh37 (hg19) VCF-style: chr5-13809176-GA-G.
Other names: short protein forms Q2577fs.
Identifiers: ClinVar variation 4537372 (VCV004537372.1).

ClinVar aggregate classification (germline): Likely pathogenic (1 of 4 stars; one submission).

Conditions:
Primary ciliary dyskinesia 3. Identifiers: Orphanet 244, MedGen C1837618, MONDO:0012085, OMIM 608644.

Submission:

Genetics Department, Catlab
Classification: Likely pathogenic for Primary ciliary dyskinesia 3. Last evaluated: 2025-05-14. Review status: criteria provided, single submitter. Criteria: ACMG Guidelines, 2015. Collection method: clinical testing. Allele origin: germline. Affected: yes. Observed: 1 variant allele.
Comment: The c.7728del variant in the DNAH5 gene is a loss of function variant predicted to undergo nonsense mediated decay and loss of function variants have been described as a causing mechanism for the gene (PVS1_verystrong). Moreover, the variant is absent from gnomAD v4.1 (PM2_moderate). With all the available evidence, the variant is classified as likely pathogenic.